The following is an entry in ClinVar:

ClinVar aggregate classification (germline): Benign/Likely benign. Review status: criteria provided, multiple submitters, no conflicts (2 of 4 stars). 3 submissions from 3 submitters: Benign (1); Likely benign (2). Last evaluated 2025-03-21.

Conditions:
Renal cell carcinoma. Identifiers: Orphanet 217071, MedGen C0007134, MeSH D002292, MONDO:0005086, HP:0005584.
Hereditary cancer-predisposing syndrome. Also called: Hereditary Cancer Syndrome; Hereditary neoplastic syndrome; Neoplastic Syndromes, Hereditary; Tumor predisposition. Identifiers: Orphanet 140162, MedGen C0027672, MeSH D009386, MONDO:0015356.
Papillary renal cell carcinoma type 1 (RCCP1). Also called: Renal adenocarcinoma; Renal cell carcinoma 1; Renal cell carcinoma, somatic; RENAL CELL CARCINOMA, PAPILLARY, 1, SOMATIC. Identifiers: Orphanet 47044, MedGen C1336839, OMIM 605074, HP:0011797.

Allele frequency attached by ClinVar (database versions not stated): gnomAD below 0.00001 and 0.00001; gnomAD exomes below 0.00001 and 0.00001; ExAC 0.00001; 1000 Genomes Project 30x 0.00031.
gnomAD v4.1: 7 of 1,614,136 alleles (0.00043%); highest among the groups gnomAD compares: East Asian, 0.0045%; no homozygotes.

Submissions (3):

Labcorp Genetics (formerly Invitae), Labcorp
Classification: Likely benign for Renal cell carcinoma. Last evaluated: 2025-03-21. Review status: criteria provided, single submitter. Criteria: Invitae Variant Classification Sherloc (09022015). Collection method: clinical testing. Allele origin: germline.

Myriad Genetics, Inc.
Classification: Benign for Papillary renal cell carcinoma type 1. Last evaluated: 2024-11-06. Review status: criteria provided, single submitter. Criteria: Myriad Autosomal Dominant, Autosomal Recessive and X-Linked Classification Criteria (2023). Collection method: clinical testing. Allele origin: unknown.
Comment: This variant is considered benign. This variant is a silent/synonymous amino acid change and it is not expected to impact splicing.

Ambry Genetics
Classification: Likely benign for Hereditary cancer-predisposing syndrome. Last evaluated: 2019-05-15. Review status: criteria provided, single submitter. Criteria: Ambry Variant Classification Scheme 2023. Collection method: clinical testing. Allele origin: germline.

NM_000245.4(MET):c.813T>C (p.Ala271=)

Gene: MET (MET proto-oncogene, receptor tyrosine kinase; plus strand). Cytogenetic location: 7q31.2.
Variant type: single nucleotide variant.
Coding change: c.813T>C on transcript NM_000245.4 (MANE Select); coding-DNA position 813, T replaced by C.
Protein change: p.Ala271=; no amino-acid change (alanine 271 retained).
Molecular consequence: synonymous variant. On other transcripts: intron variant (1).
Genome position (GRCh38, 1-based): chr7:116,699,897, T>C. VCF-style: chr7-116699897-T-C. GRCh37 (hg19) VCF-style: chr7-116339951-T-C.
Other names: c.813T>C, p.Ala271= (NM_001127500.3, NM_001324401.3); c.-91+27320T>C (NM_001324402.2).
Identifiers: ClinVar variation 454257 (VCV000454257.15), dbSNP rs750586651, ClinGen allele CA4448033.